The following is an entry in ClinVar:

ClinVar aggregate classification (germline): Likely benign. Review status: criteria provided, multiple submitters, no conflicts (2 of 4 stars). 2 submissions from 2 submitters: Likely benign (2). Last evaluated 2025-05-01.

gnomAD v4.1: 75 of 1,613,858 alleles (0.0046%); highest among the groups gnomAD compares: South Asian, 0.075%; no homozygotes.

Submissions (2):

CeGaT Center for Human Genetics Tuebingen
Classification: Likely benign. Last evaluated: 2025-05-01. Review status: criteria provided, single submitter. Criteria: CeGaT Center For Human Genetics Tuebingen Variant Classification Criteria Version 2. Collection method: clinical testing. Allele origin: germline. Affected: yes. Observed: 1 variant allele.
Comment: CLCN2: BP4, BP7

Labcorp Genetics (formerly Invitae), Labcorp
Classification: Likely benign. Last evaluated: 2023-03-21. Review status: criteria provided, single submitter. Criteria: Invitae Variant Classification Sherloc (09022015). Collection method: clinical testing. Allele origin: germline.

NM_004366.6(CLCN2):c.1302C>G (p.Thr434=)

Gene: CLCN2 (chloride voltage-gated channel 2; minus strand). Cytogenetic location: 3q27.1.
Variant type: single nucleotide variant.
Coding change: c.1302C>G on transcript NM_004366.6 (MANE Select); coding-DNA position 1302, C replaced by G.
Protein change: p.Thr434=; no amino-acid change (threonine 434 retained).
Molecular consequence: synonymous variant.
Genome position (GRCh38, 1-based): chr3:184,355,398, G>C on the plus strand (C>G on the coding strand, the complement: CLCN2 is on the minus strand). VCF-style: chr3-184355398-G-C. GRCh37 (hg19) VCF-style: chr3-184073186-G-C.
Other names: c.1302C>G, p.Thr434= (NM_001171087.3, NM_001171089.3); c.1170C>G, p.Thr390= (NM_001171088.3).
Identifiers: ClinVar variation 2863552 (VCV002863552.10), dbSNP rs201693341, ClinGen allele CA2734176.